The following is an entry in ClinVar:

NM_007194.4(CHEK2):c.209_216del (p.Glu70fs)

Gene: CHEK2 (checkpoint kinase 2; minus strand). Cytogenetic location: 22q12.1.
Variant type: Deletion.
Coding change: c.209_216del on transcript NM_007194.4 (MANE Select); coding-DNA positions 209 to 216, 8 bases deleted (AACTCTAT; older notation c.209_216delAACTCTAT).
Protein change: p.Glu70fs; shifts the reading frame from glutamic acid 70.
Molecular consequence: frameshift variant.
Genome position (GRCh38, 1-based): chr22:28,734,506-28,734,513, ATAGAGTT deleted on the plus strand (AACTCTAT on the coding strand, the reverse complement: CHEK2 is on the minus strand). VCF-style (leftmost placement, unchanged base first): chr22-28734505-AATAGAGTT-A. GRCh37 (hg19) VCF-style: chr22-29130493-AATAGAGTT-A.
Other names: c.209_216delAACTCTAT, p.Glu70Valfs (NM_001005735.3, NM_001349956.3, NM_145862.3); c.-569_-562delAACTCTAT (NM_001257387.3); short protein forms E70fs.
Identifiers: ClinVar variation 969635 (VCV000969635.8), dbSNP rs2054319272, ClinGen allele CA1139667000.
Genomic context (GRCh38, chr22:28,734,505, plus strand): 5'-AGGGGGCAGGGGTAGGCTCCTCAGGTTCTTGGTCCTCAGGTTCTTGGTCCTCAGGAATAG[AATAGAGTT>A]CCTGAGTGGACACTGTCTCTAAGGAGCTCAGTGTCCCAGAGCTGGAGTGAGAGGACTGGC-3'

ClinVar aggregate classification (germline): Pathogenic (1 of 4 stars; one submission).

Conditions:
Familial cancer of breast. Also called: hereditary breast carcinoma; Hereditary breast cancer; BREAST CANCER, FAMILIAL. Identifiers: Orphanet 227535, MedGen C0346153, MONDO:0016419, OMIM 114480. Disease mechanism: loss of function.

Submission:

Labcorp Genetics (formerly Invitae), Labcorp
Classification: Pathogenic for Familial cancer of breast. Last evaluated: 2019-11-08. Review status: criteria provided, single submitter. Criteria: Invitae Variant Classification Sherloc (09022015). Collection method: clinical testing. Allele origin: germline.
Comment: This sequence change creates a premature translational stop signal (p.Glu70Valfs*4) in the CHEK2 gene. It is expected to result in an absent or disrupted protein product. This variant is not present in population databases (ExAC no frequency). This variant has not been reported in the literature in individuals with CHEK2-related conditions. Algorithms developed to predict the effect of sequence changes on RNA splicing suggest that this variant may create or strengthen a splice site, but this prediction has not been confirmed by published transcriptional studies. Loss-of-function variants in CHEK2 are known to be pathogenic (PMID: 21876083, 24713400). For these reasons, this variant has been classified as Pathogenic.

Literature cited by the submitters: PubMed 21876083; PubMed 24713400.